The following is an entry in ClinVar:

ClinVar aggregate classification (germline): Uncertain significance (1 of 4 stars; one submission).

Submission:

Ambry Genetics
Classification: Uncertain significance. Last evaluated: 2022-10-24. Review status: criteria provided, single submitter. Criteria: Ambry Variant Classification Scheme 2023. Collection method: clinical testing. Allele origin: germline.
Comment: The p.K723N variant (also known as c.2169A>T), located in coding exon 13 of the NPAT gene, results from an A to T substitution at nucleotide position 2169. The lysine at codon 723 is replaced by asparagine, an amino acid with similar properties. This amino acid position is conserved. In addition, this alteration is predicted to be tolerated by in silico analysis. Since supporting evidence is limited at this time, the clinical significance of this alteration remains unclear.

NM_002519.3(NPAT):c.2169A>T (p.Lys723Asn)

Gene: NPAT (nuclear protein, coactivator of histone transcription; minus strand). Cytogenetic location: 11q22.3.
Variant type: single nucleotide variant.
Coding change: c.2169A>T on transcript NM_002519.3 (MANE Select); coding-DNA position 2169, A replaced by T.
Protein change: p.Lys723Asn; replaces lysine 723 with asparagine.
Molecular consequence: missense variant.
Genome position (GRCh38, 1-based): chr11:108,172,815, T>A on the plus strand (A>T on the coding strand, the complement: NPAT is on the minus strand). VCF-style: chr11-108172815-T-A. GRCh37 (hg19) VCF-style: chr11-108043542-T-A.
Other names: c.2169A>T, p.Lys723Asn (NM_001321307.1); short protein forms K723N.
Identifiers: ClinVar variation 1787023 (VCV001787023.2), dbSNP rs756897319, ClinGen allele CA382513539.